The following is an entry in ClinVar:

ClinVar aggregate classification (germline): Conflicting classifications of pathogenicity. Review status: criteria provided, conflicting classifications (1 of 4 stars). 2 submissions from 2 submitters: Uncertain significance (1); Likely benign (1). Last evaluated 2024-05-21.

Conditions:
Christianson syndrome (MRXSCH). Also called: SLC9A6-Related Syndromic Mental Retardation; INTELLECTUAL DEVELOPMENTAL DISORDER, X-LINKED, SYNDROMIC, CHRISTIANSON TYPE; X-linked mental retardation, syndromic, Christianson type. Identifiers: Orphanet 85278, MedGen C2678194, MONDO:0010278, OMIM 300243.

Allele frequency attached by ClinVar (database versions not stated): gnomAD exomes below 0.00001; TOPMed below 0.00001.
gnomAD v4.1: 4 of 1,077,875 alleles (0.00037%); highest among the groups gnomAD compares: Non-Finnish European, 0.00052%; no homozygotes.

Submissions (2):

Labcorp Genetics (formerly Invitae), Labcorp
Classification: Likely benign for Christianson syndrome. Last evaluated: 2024-05-21. Review status: criteria provided, single submitter. Criteria: Invitae Variant Classification Sherloc (09022015). Collection method: clinical testing. Allele origin: germline.

Baylor Genetics
Classification: Uncertain significance for Christianson syndrome. Last evaluated: 2018-01-18. Review status: criteria provided, single submitter. Criteria: ACMG Guidelines, 2015. Collection method: clinical testing. Allele origin: maternal. Affected: yes.
Comment: This variant was determined to be of uncertain significance according to ACMG Guidelines, 2015 [PMID:25741868].

NM_001379110.1(SLC9A6):c.1080+17A>G

Gene: SLC9A6 (solute carrier family 9 member A6; plus strand). Cytogenetic location: Xq26.3.
Variant type: single nucleotide variant.
Coding change: c.1080+17A>G on transcript NM_001379110.1 (MANE Select); 17 bases into the intron after coding-DNA position 1080, A replaced by G.
Molecular consequence: intron variant.
Genome position (GRCh38, 1-based): chrX:136,013,454, A>G. VCF-style: chrX-136013454-A-G. GRCh37 (hg19) VCF-style: chrX-135095613-A-G.
Other names: c.1236+17A>G (NM_001042537.2); c.1140+17A>G (NM_006359.3); c.1080+17A>G (NM_001177651.2); c.984+17A>G (NM_001330652.2).
Identifiers: ClinVar variation 1032437 (VCV001032437.4), dbSNP rs2070960570, ClinGen allele CA2460194734.